The following is an entry in ClinVar:

ClinVar aggregate classification (germline): Uncertain significance (1 of 4 stars; one submission).

Submission:

Women's Health and Genetics/Laboratory Corporation of America, LabCorp
Classification: Uncertain significance. Last evaluated: 2024-04-15. Review status: criteria provided, single submitter. Criteria: LabCorp Variant Classification Summary - May 2015. Collection method: clinical testing. Allele origin: germline.
Comment: Variant summary: COL4A1 c.3910A>G (p.Lys1304Glu) results in a conservative amino acid change in the encoded protein sequence. Four of five in-silico tools predict a damaging effect of the variant on protein function. The variant was absent in 251450 control chromosomes. The available data on variant occurrences in the general population are insufficient to allow any conclusion about variant significance. To our knowledge, no occurrence of c.3910A>G in individuals affected with Porencephaly 1 and no experimental evidence demonstrating its impact on protein function have been reported. No submitters have cited clinical-significance assessments for this variant to ClinVar. Based on the evidence outlined above, the variant was classified as uncertain significance.

NM_001845.6(COL4A1):c.3910A>G (p.Lys1304Glu)

Gene: COL4A1 (collagen type IV alpha 1 chain; minus strand). Cytogenetic location: 13q34.
Variant type: single nucleotide variant.
Coding change: c.3910A>G on transcript NM_001845.6 (MANE Select); coding-DNA position 3910, A replaced by G.
Protein change: p.Lys1304Glu; replaces lysine 1304 with glutamic acid.
Molecular consequence: missense variant.
Genome position (GRCh38, 1-based): chr13:110,167,197, T>C on the plus strand (A>G on the coding strand, the complement: COL4A1 is on the minus strand). VCF-style: chr13-110167197-T-C. GRCh37 (hg19) VCF-style: chr13-110819544-T-C.
Other names: short protein forms K1304E.
Identifiers: ClinVar variation 3251292 (VCV003251292.1), dbSNP rs2501752049.
Genomic context (GRCh38, chr13:110,167,197, plus strand): 5'-GCAAGGTCTGTGCTGTCTTACCTTGAAATCCTGGAACTCCTGGAGGCCCCATATCACCCT[T>C]AGAGCCTGTGATTCCTGGAGAGCCACCAATACCCTAGACACGCAAAGAGGAGGTTGGGAA-3'
Protein context (NP_001836.3, residues 1294-1314): IGGSPGITGS[Lys1304Glu]GDMGPPGVPG